The following is an entry in ClinVar:

NM_000141.5(FGFR2):c.2301+5G>C

Gene: FGFR2 (fibroblast growth factor receptor 2; minus strand). Cytogenetic location: 10q26.13.
Variant type: single nucleotide variant.
Coding change: c.2301+5G>C on transcript NM_000141.5 (MANE Select); 5 bases into the intron after coding-DNA position 2301, G replaced by C.
Molecular consequence: intron variant.
Genome position (GRCh38, 1-based): chr10:121,483,693, C>G on the plus strand (G>C on the coding strand, the complement: FGFR2 is on the minus strand). VCF-style: chr10-121483693-C-G. GRCh37 (hg19) VCF-style: chr10-123243207-C-G.
Other names: c.1965+5G>C (NM_001144914.1); c.1950+5G>C (NM_001144918.2, NM_001441091.1); c.1956+5G>C (NM_001441090.1, NM_001144916.2); c.2028+5G>C (NM_001441089.1); c.2034+5G>C (NM_023029.3, NM_001144915.2); c.2031+5G>C (NM_001441088.1); c.1953+5G>C (NM_001144917.2); c.2295+5G>C (NM_001320658.2); and 4 more.
Identifiers: ClinVar variation 4768381 (VCV004768381.1).

ClinVar aggregate classification (germline): Uncertain significance (1 of 4 stars; one submission).

Conditions:
FGFR2-related craniosynostosis. Identifiers: MedGen CN231480.

gnomAD v4.1: 4 of 1,610,724 alleles (0.00025%); highest among the groups gnomAD compares: South Asian, 0.0022%; no homozygotes.

Submission:

Labcorp Genetics (formerly Invitae), Labcorp
Classification: Uncertain significance for FGFR2-related craniosynostosis. Last evaluated: 2025-12-01. Review status: criteria provided, single submitter. Criteria: Invitae Variant Classification Sherloc (09022015). Collection method: clinical testing. Allele origin: germline.
Comment: This sequence change falls in intron 17 of the FGFR2 gene. It does not directly change the encoded amino acid sequence of the FGFR2 protein. It affects a nucleotide within the consensus splice site. The frequency data for this variant in the population databases is considered unreliable, as metrics indicate poor data quality at this position in the gnomAD database. This variant has not been reported in the literature in individuals affected with FGFR2-related conditions. Variants that disrupt the consensus splice site are a relatively common cause of aberrant splicing (PMID: 17576681, 9536098). Algorithms developed to predict the effect of sequence changes on RNA splicing suggest that this variant is not likely to affect RNA splicing. In summary, the available evidence is currently insufficient to determine the role of this variant in disease. Therefore, it has been classified as a Variant of Uncertain Significance.

Literature cited by the submitters: PubMed 17576681; PubMed 9536098.